The following is an entry in ClinVar:

NM_015512.5(DNAH1):c.7794C>T (p.Leu2598=)

Gene: DNAH1 (dynein axonemal heavy chain 1; plus strand). Cytogenetic location: 3p21.1.
Variant type: single nucleotide variant.
Coding change: c.7794C>T on transcript NM_015512.5 (MANE Select); coding-DNA position 7794, C replaced by T.
Protein change: p.Leu2598=; no amino-acid change (leucine 2598 retained).
Molecular consequence: synonymous variant.
Genome position (GRCh38, 1-based): chr3:52,381,825, C>T. VCF-style: chr3-52381825-C-T. GRCh37 (hg19) VCF-style: chr3-52415841-C-T.
Identifiers: ClinVar variation 712712 (VCV000712712.16), dbSNP rs373044616, ClinGen allele CA2434969.
Genomic context (GRCh38, chr3:52,381,825, plus strand): 5'-GCTGGGCAATGCACTCCTGCTGGGCGTGGGTGGCAGCGGCCGCAGCTCCCTCACAAGGCT[C>T]GCCTCGCACATGTGAGCGCCTCCAGGGCGTGCTGGGCAGTGGGCGGCCAGGGCTGGCTGG-3'
Protein context (NP_056327.4, residues 2588-2608): GGSGRSSLTR[Leu2598=]ASHMAEYECF

ClinVar aggregate classification (germline): Benign/Likely benign. Review status: criteria provided, multiple submitters, no conflicts (2 of 4 stars). 5 submissions from 5 submitters: Benign (1); Likely benign (3). 1 of the submissions does not count toward it. Last evaluated 2025-11-10.

Conditions:
Spermatogenic failure 18. Identifiers: MedGen C4539783, MONDO:0054615, OMIM 617576.
Ciliary dyskinesia, primary, 37 (CILD37). Also called: CILIARY DYSKINESIA, PRIMARY, 37, WITH OR WITHOUT SITUS INVERSUS. Identifiers: MedGen C4539798, MONDO:0033204, OMIM 617577.
DNAH1-related disorder. Also called: DNAH1-related condition.

Allele frequency attached by ClinVar (database versions not stated): TOPMed 0.00020; gnomAD 0.00021 and 0.00028; gnomAD exomes 0.00030 and 0.00046; ESP Exome Variant Server 0.00032; ExAC 0.00059; 1000 Genomes Project 30x 0.00078; 1000 Genomes Project 0.00100.
gnomAD v4.1: 478 of 1,595,488 alleles (0.03%); highest among the groups gnomAD compares: South Asian, 0.16%; 1 homozygote.

Submissions (5):

Labcorp Genetics (formerly Invitae), Labcorp
Classification: Benign for Ciliary dyskinesia, primary, 37; Spermatogenic failure 18. Last evaluated: 2025-11-10. Review status: criteria provided, single submitter. Criteria: Invitae Variant Classification Sherloc (09022015). Collection method: clinical testing. Allele origin: germline.

Laboratory of Genetics, Children's Clinical University Hospital Latvia
Classification: Likely benign. Last evaluated: 2025-02-16. Review status: criteria provided, single submitter. Criteria: ACMG Guidelines, 2015. Collection method: clinical testing. Allele origin: germline. Affected: yes.

Blueprint Genetics
Classification: Likely benign. Last evaluated: 2024-06-21. Review status: criteria provided, single submitter. Criteria: ACMG Guidelines, 2015. Collection method: clinical testing. Allele origin: germline.

ARUP Laboratories, Molecular Genetics and Genomics, ARUP Laboratories
Classification: Likely benign. Last evaluated: 2022-03-31. Review status: criteria provided, single submitter. Criteria: ARUP Molecular Germline Variant Investigation Process 2021. Collection method: clinical testing. Allele origin: germline.

PreventionGenetics, part of Exact Sciences
Classification: Likely benign for DNAH1-related condition. Last evaluated: 2019-06-25. Review status: no assertion criteria provided. Collection method: clinical testing. Allele origin: germline. Not counted in ClinVar's aggregate classification.
Comment: This variant is classified as likely benign based on ACMG/AMP sequence variant interpretation guidelines (Richards et al. 2015 PMID: 25741868, with internal and published modifications).